The following is an entry in ClinVar:

NM_005477.3(HCN4):c.1931C>T (p.Thr644Ile)

Gene: HCN4 (hyperpolarization activated cyclic nucleotide gated potassium channel 4; minus strand). Cytogenetic location: 15q24.1.
Variant type: single nucleotide variant.
Coding change: c.1931C>T on transcript NM_005477.3 (MANE Select); coding-DNA position 1931, C replaced by T.
Protein change: p.Thr644Ile; replaces threonine 644 with isoleucine.
Molecular consequence: missense variant.
Genome position (GRCh38, 1-based): chr15:73,325,002, G>A on the plus strand (C>T on the coding strand, the complement: HCN4 is on the minus strand). VCF-style: chr15-73325002-G-A. GRCh37 (hg19) VCF-style: chr15-73617343-G-A.
Other names: short protein forms T644I.
Identifiers: ClinVar variation 4809652 (VCV004809652.1).

ClinVar aggregate classification (germline): Uncertain significance (1 of 4 stars; one submission).

Conditions:
Brugada syndrome 8 (BRGDA8). Identifiers: Orphanet 130, MedGen C2751083, MONDO:0013148, OMIM 613123.

Submission:

Labcorp Genetics (formerly Invitae), Labcorp
Classification: Uncertain significance for Brugada syndrome 8. Last evaluated: 2025-06-19. Review status: criteria provided, single submitter. Criteria: Invitae Variant Classification Sherloc (09022015). Collection method: clinical testing. Allele origin: germline.
Comment: This sequence change replaces threonine, which is neutral and polar, with isoleucine, which is neutral and non-polar, at codon 644 of the HCN4 protein (p.Thr644Ile). This variant is not present in population databases (gnomAD no frequency). This variant has not been reported in the literature in individuals affected with HCN4-related conditions. Invitae Evidence Modeling of protein sequence and biophysical properties (such as structural, functional, and spatial information, amino acid conservation, physicochemical variation, residue mobility, and thermodynamic stability) has been performed for this missense variant. However, the output from this modeling did not meet the statistical confidence thresholds required to predict the impact of this variant on HCN4 protein function. In summary, the available evidence is currently insufficient to determine the role of this variant in disease. Therefore, it has been classified as a Variant of Uncertain Significance.